The following is an entry in ClinVar:

NM_001378030.1(CCDC78):c.1275G>A (p.Gln425=)

Gene: CCDC78 (coiled-coil domain containing 78; minus strand). Cytogenetic location: 16p13.3.
Variant type: single nucleotide variant.
Coding change: c.1275G>A on transcript NM_001378030.1 (MANE Select); coding-DNA position 1275, G replaced by A.
Protein change: p.Gln425=; no amino-acid change (glutamine 425 retained).
Molecular consequence: synonymous variant. On other transcripts: missense variant (1), non-coding transcript variant (5).
Genome position (GRCh38, 1-based): chr16:722,948, C>T on the plus strand (G>A on the coding strand, the complement: CCDC78 is on the minus strand). VCF-style: chr16-722948-C-T. GRCh37 (hg19) VCF-style: chr16-772948-C-T.
Other names: c.1271G>A, p.Arg424Lys (NM_001031737.3); c.1095G>A, p.Gln365= (NM_001378031.1); c.708G>A, p.Gln236= (NM_001378033.1); short protein forms R424K.
Identifiers: ClinVar variation 473252 (VCV000473252.15), dbSNP rs760280521, ClinGen allele CA7789100.
Genomic context (GRCh38, chr16:722,948, plus strand): 5'-GGCCCTGGGGTCACACCCAGCTCCCTCTGCCCACCTGCCCAGGTGCTGGTCCACGTACTC[C>T]TGTAGCTCAGAAAGTTGCTCTTCAGCCATCGTGGCCCGGACCAGCAGCTGTGCCCGCTCC-3'
Protein context (NP_001364959.1, residues 415-435): TMAEEQLSEL[Gln425=]EYVDQHLGRY

ClinVar aggregate classification (germline): Conflicting classifications of pathogenicity. Review status: criteria provided, conflicting classifications (1 of 4 stars). 4 submissions from 4 submitters: Uncertain significance (1); Likely benign (2). 1 of the submissions does not count toward it. Last evaluated 2026-01-13.

Conditions:
CCDC78-related disorder. Also called: CCDC78-related condition.
Inborn genetic diseases. Identifiers: MedGen C0950123, MeSH D030342.
Congenital myopathy with internal nuclei and atypical cores. Also called: Myopathy, centronuclear, 4. Identifiers: Orphanet 319160, MedGen C4707232, MONDO:0013890, OMIM 614807.

Allele frequency attached by ClinVar (database versions not stated): ExAC 0.00006; gnomAD exomes 0.00007 and 0.00013; gnomAD 0.00013 and 0.00014; TOPMed 0.00023.
gnomAD v4.1: 63 of 1,612,390 alleles (0.0039%); highest among the groups gnomAD compares: Admixed American, 0.1%; no homozygotes.

Submissions (4):

Labcorp Genetics (formerly Invitae), Labcorp
Classification: Likely benign for Congenital myopathy with internal nuclei and atypical cores. Last evaluated: 2026-01-13. Review status: criteria provided, single submitter. Criteria: Invitae Variant Classification Sherloc (09022015). Collection method: clinical testing. Allele origin: germline.

Ambry Genetics
Classification: Uncertain significance for Inborn genetic diseases. Last evaluated: 2024-03-07. Review status: criteria provided, single submitter. Criteria: Ambry Variant Classification Scheme 2023. Collection method: clinical testing. Allele origin: germline.

Breakthrough Genomics
Classification: Likely benign. Review status: criteria provided, single submitter. Criteria: ACMG Guidelines, 2015. Collection method: not provided. Allele origin: germline. Inheritance: Autosomal dominant inheritance. Affected: yes.

PreventionGenetics, part of Exact Sciences
Classification: Likely benign for CCDC78-related condition. Last evaluated: 2023-12-08. Review status: no assertion criteria provided. Collection method: clinical testing. Allele origin: germline. Not counted in ClinVar's aggregate classification.
Comment: This variant is classified as likely benign based on ACMG/AMP sequence variant interpretation guidelines (Richards et al. 2015 PMID: 25741868, with internal and published modifications).